The following is an entry in ClinVar:

ClinVar aggregate classification (germline): Benign (1 of 4 stars; one submission).

Conditions:
Aplastic anemia. Identifiers: Orphanet 182040, Orphanet 88, MedGen C0002874, MONDO:0015909, OMIM 609135, HP:0001915.

Allele frequency attached by ClinVar (database versions not stated): gnomAD 0.01167 and 0.01255; TOPMed 0.01351; 1000 Genomes Project 0.01458; 1000 Genomes Project 30x 0.01593.

Submission:

Illumina Laboratory Services, Illumina
Classification: Benign for Aplastic anemia. Last evaluated: 2018-01-13. Review status: criteria provided, single submitter. Criteria: ICSL Variant Classification Criteria 13 December 2019. Collection method: clinical testing. Allele origin: germline.
Comment: This variant was observed in the ICSL laboratory as part of a predisposition screen in an ostensibly healthy population. It had not been previously curated by ICSL or reported in the Human Gene Mutation Database (HGMD: prior to June 1st, 2018), and was therefore a candidate for classification through an automated scoring system. Utilizing variant allele frequency, disease prevalence and penetrance estimates, and inheritance mode, an automated score was calculated to assess if this variant is too frequent to cause the disease. Based on the score and internal cut-off values, a variant classified as benign is not then subjected to further curation. The score for this variant resulted in a classification of benign for this disease.

NM_000619.3(IFNG):c.*539A>G

Gene: IFNG (interferon gamma; minus strand). Cytogenetic location: 12q15.
Variant type: single nucleotide variant.
Coding change: c.*539A>G on transcript NM_000619.3 (MANE Select); 539 bases downstream of the stop codon, A replaced by G.
Molecular consequence: 3 prime UTR variant.
Genome position (GRCh38, 1-based): chr12:68,154,814, T>C on the plus strand (A>G on the coding strand, the complement: IFNG is on the minus strand). VCF-style: chr12-68154814-T-C. GRCh37 (hg19) VCF-style: chr12-68548594-T-C.
Identifiers: ClinVar variation 310319 (VCV000310319.5), dbSNP rs2069723, ClinGen allele CA10633503.